The following is an entry in ClinVar:

ClinVar aggregate classification (germline): Uncertain significance (1 of 4 stars; one submission).

Submission:

GeneDx
Classification: Uncertain significance. Last evaluated: 2019-10-18. Review status: criteria provided, single submitter. Criteria: GeneDx Variant Classification Process June 2021. Collection method: clinical testing. Allele origin: germline. Affected: yes.
Comment: Not observed in large population cohorts (Lek et al., 2016); In silico analysis, which includes protein predictors and evolutionary conservation, supports a deleterious effect; Has not been previously published as pathogenic or benign to our knowledge

NM_001009944.3(PKD1):c.7025T>G (p.Val2342Gly)

Gene: PKD1 (polycystin 1, transient receptor potential channel interacting; minus strand). Cytogenetic location: 16p13.3.
Variant type: single nucleotide variant.
Coding change: c.7025T>G on transcript NM_001009944.3 (MANE Select); coding-DNA position 7025, T replaced by G.
Protein change: p.Val2342Gly; replaces valine 2342 with glycine.
Molecular consequence: missense variant.
Genome position (GRCh38, 1-based): chr16:2,107,923, A>C on the plus strand (T>G on the coding strand, the complement: PKD1 is on the minus strand). VCF-style: chr16-2107923-A-C. GRCh37 (hg19) VCF-style: chr16-2157924-A-C.
Other names: c.7025T>G, p.Val2342Gly (NM_000296.4); short protein forms V2342G.
Identifiers: ClinVar variation 1308972 (VCV001308972.2), dbSNP rs2151783732, ClinGen allele CA394372397.